The following is an entry in ClinVar:

NM_000548.5(TSC2):c.2038C>G (p.Arg680Gly)

Gene: TSC2 (TSC complex subunit 2; plus strand). Cytogenetic location: 16p13.3.
Variant type: single nucleotide variant.
Coding change: c.2038C>G on transcript NM_000548.5 (MANE Select); coding-DNA position 2038, C replaced by G.
Protein change: p.Arg680Gly; replaces arginine 680 with glycine.
Molecular consequence: missense variant.
Genome position (GRCh38, 1-based): chr16:2,071,875, C>G. VCF-style: chr16-2071875-C-G. GRCh37 (hg19) VCF-style: chr16-2121876-C-G.
Other names: c.2038C>G, p.Arg680Gly (NM_001077183.3, NM_001114382.3, NM_001363528.2 and 3 more transcripts); c.1927C>G, p.Arg643Gly (NM_001318827.2); c.1891C>G, p.Arg631Gly (NM_001318829.2); c.1438C>G, p.Arg480Gly (NM_001318831.2); c.2071C>G, p.Arg691Gly (NM_001318832.2); short protein forms R680G, R691G, R643G, R480G, R631G.
Identifiers: ClinVar variation 589454 (VCV000589454.16), dbSNP rs876658578, ClinGen allele CA394274561.

ClinVar aggregate classification (germline): Uncertain significance. Review status: criteria provided, multiple submitters, no conflicts (2 of 4 stars). 4 submissions from 4 submitters: Uncertain significance (4). Last evaluated 2025-08-16.

Conditions:
Hereditary cancer-predisposing syndrome. Also called: Neoplastic Syndromes, Hereditary; Hereditary neoplastic syndrome; Hereditary Cancer Syndrome; Tumor predisposition. Identifiers: Orphanet 140162, MedGen C0027672, MeSH D009386, MONDO:0015356.
Tuberous sclerosis 2 (TSC2). Identifiers: Orphanet 805, MedGen C1860707, MONDO:0013199, OMIM 613254.

gnomAD v4.1: 1 of 1,596,624 alleles (0.000063%); highest among the groups gnomAD compares: Non-Finnish European, 0.000085%; no homozygotes.

Submissions (4):

GeneDx
Classification: Uncertain significance. Last evaluated: 2025-08-16. Review status: criteria provided, single submitter. Criteria: GeneDx Variant Classification Process June 2021. Collection method: clinical testing. Allele origin: germline. Affected: yes.
Comment: Not observed at significant frequency in large population cohorts (gnomAD); In silico analysis supports that this missense variant has a deleterious effect on protein structure/function; Has not been previously published as pathogenic or benign to our knowledge

Labcorp Genetics (formerly Invitae), Labcorp
Classification: Uncertain significance for Tuberous sclerosis 2. Last evaluated: 2024-11-23. Review status: criteria provided, single submitter. Criteria: Invitae Variant Classification Sherloc (09022015). Collection method: clinical testing. Allele origin: germline.
Comment: This sequence change replaces arginine, which is basic and polar, with glycine, which is neutral and non-polar, at codon 680 of the TSC2 protein (p.Arg680Gly). This variant is not present in population databases (gnomAD no frequency). This variant has not been reported in the literature in individuals affected with TSC2-related conditions. ClinVar contains an entry for this variant (Variation ID: 589454). Invitae Evidence Modeling of protein sequence and biophysical properties (such as structural, functional, and spatial information, amino acid conservation, physicochemical variation, residue mobility, and thermodynamic stability) indicates that this missense variant is not expected to disrupt TSC2 protein function with a negative predictive value of 95%. In summary, the available evidence is currently insufficient to determine the role of this variant in disease. Therefore, it has been classified as a Variant of Uncertain Significance.

Genome-Nilou Lab
Classification: Uncertain significance for Tuberous sclerosis 2. Last evaluated: 2021-11-07. Review status: criteria provided, single submitter. Criteria: ACMG Guidelines, 2015. Collection method: clinical testing. Allele origin: germline. Affected: no.

Ambry Genetics
Classification: Uncertain significance for Hereditary cancer-predisposing syndrome. Last evaluated: 2016-11-09. Review status: criteria provided, single submitter. Criteria: Ambry Variant Classification Scheme 2023. Collection method: clinical testing. Allele origin: germline.
Comment: The p.R680G variant (also known as c.2038C>G), located in coding exon 18 of the TSC2 gene, results from a C to G substitution at nucleotide position 2038. The arginine at codon 680 is replaced by glycine, an amino acid with dissimilar properties. This variant was not reported in population based cohorts in the following databases: Database of Single Nucleotide Polymorphisms (dbSNP), NHLBI Exome Sequencing Project (ESP), and 1000 Genomes Project. In the ESP, this variant was not observed in 6274 samples (12548 alleles) with coverage at this position. This amino acid position is highly conserved in available vertebrate species. In addition, this alteration is predicted to be deleterious by in silico analysis. Since supporting evidence is limited at this time, the clinical significance of this alteration remains unclear.